The following is an entry in ClinVar:

NM_152383.5(DIS3L2):c.1087A>G (p.Ile363Val)

Gene: DIS3L2 (DIS3 like 3'-5' exoribonuclease 2; plus strand). Cytogenetic location: 2q37.1.
Variant type: single nucleotide variant.
Coding change: c.1087A>G on transcript NM_152383.5 (MANE Select); coding-DNA position 1087, A replaced by G.
Protein change: p.Ile363Val; replaces isoleucine 363 with valine.
Molecular consequence: missense variant. On other transcripts: non-coding transcript variant (2).
Genome position (GRCh38, 1-based): chr2:232,163,595, A>G. VCF-style: chr2-232163595-A-G. GRCh37 (hg19) VCF-style: chr2-233028305-A-G.
Other names: c.1087A>G, p.Ile363Val (NM_001257281.2); short protein forms I363V.
Identifiers: ClinVar variation 463046 (VCV000463046.10), dbSNP rs540563766, ClinGen allele CA2164002.
Genomic context (GRCh38, chr2:232,163,595, plus strand): 5'-GATTTCTCTGATTTCTCTTCAGAAGTTCTAGAATGTCTTCCTCAAGGCCTGCCATGGACA[A>G]TTCCACCAGAGGAGTTCAGCAAGAGAAGGGATTTAAGGTAAGCACCTGAAACCCTTTAAG-3'
Protein context (NP_689596.4, residues 353-373): ECLPQGLPWT[Ile363Val]PPEEFSKRRD

ClinVar aggregate classification (germline): Conflicting classifications of pathogenicity. Review status: criteria provided, conflicting classifications (1 of 4 stars). 3 submissions from 3 submitters: Uncertain significance (2); Benign (1). Last evaluated 2025-07-30.

Conditions:
Perlman syndrome (PRLMNS). Identifiers: Orphanet 2849, MedGen C0796113, MONDO:0009965, OMIM 267000.

Allele frequency attached by ClinVar (database versions not stated): TOPMed 0.00001.
gnomAD v4.1: 29 of 1,613,882 alleles (0.0018%); highest among the groups gnomAD compares: South Asian, 0.0077%; no homozygotes.

Submissions (3):

Labcorp Genetics (formerly Invitae), Labcorp
Classification: Benign for Perlman syndrome. Last evaluated: 2025-07-30. Review status: criteria provided, single submitter. Criteria: Invitae Variant Classification Sherloc (09022015). Collection method: clinical testing. Allele origin: germline.

Baylor Genetics
Classification: Uncertain significance for Perlman syndrome. Last evaluated: 2020-01-17. Review status: criteria provided, single submitter. Criteria: ACMG Guidelines, 2015. Collection method: clinical testing. Allele origin: unknown. Affected: yes.
Comment: This variant was determined to be of uncertain significance according to ACMG Guidelines, 2015 [PMID:25741868].

Fulgent Genetics
Classification: Uncertain significance for Perlman syndrome. Last evaluated: 2018-10-31. Review status: criteria provided, single submitter. Criteria: ACMG Guidelines, 2015. Collection method: clinical testing. Allele origin: unknown.